The following is an entry in ClinVar:

NM_000122.2(ERCC3):c.1026C>A (p.Cys342Ter)

Gene: ERCC3 (ERCC excision repair 3, TFIIH core complex helicase subunit; minus strand). Cytogenetic location: 2q14.3.
Variant type: single nucleotide variant.
Coding change: c.1026C>A on transcript NM_000122.2 (MANE Select); coding-DNA position 1026, C replaced by A.
Protein change: p.Cys342Ter; replaces cysteine 342 with a stop codon.
Molecular consequence: nonsense.
Genome position (GRCh38, 1-based): chr2:127,288,661, G>T on the plus strand (C>A on the coding strand, the complement: ERCC3 is on the minus strand). VCF-style: chr2-127288661-G-T. GRCh37 (hg19) VCF-style: chr2-128046237-G-T.
Other names: c.834C>A, p.Cys278Ter (NM_001303416.2, NM_001303418.2); short protein forms C278*, C342*.
Identifiers: ClinVar variation 3896329 (VCV003896329.2).
Genomic context (GRCh38, chr2:127,288,661, plus strand): 5'-GCAGCTGGCAGATCCAGACACAACAGCCTGACCACCTTCTTAACTCTGGTACCACTTACC[G>T]CAGGGAAGAACAATGACCCCCGAACGTGCACGCCCGTTTCCAAACATCTTTCGCAAGCTC-3'

ClinVar aggregate classification (germline): Pathogenic (1 of 4 stars; one submission).

Conditions:
Xeroderma pigmentosum (XP). Identifiers: Orphanet 910, MedGen C0043346, MONDO:0019600.

gnomAD v4.1: 1 of 1,613,288 alleles (0.000062%); highest among the groups gnomAD compares: Non-Finnish European, 0.000085%; no homozygotes.

Submission:

Women's Health and Genetics/Laboratory Corporation of America, LabCorp
Classification: Pathogenic for Xeroderma pigmentosum. Last evaluated: 2025-04-11. Review status: criteria provided, single submitter. Criteria: LabCorp Variant Classification Summary - May 2015. Collection method: clinical testing. Allele origin: germline.
Comment: Variant summary: ERCC3 c.1026C>A (p.Cys342X) results in a premature termination codon, predicted to cause a truncation of the encoded protein or absence of the protein due to nonsense mediated decay, which are commonly known mechanisms for disease. The variant was absent in 251388 control chromosomes. To our knowledge, no occurrence of c.1026C>A in individuals affected with Xeroderma Pigmentosum and no experimental evidence demonstrating its impact on protein function have been reported. No submitters have cited clinical-significance assessments for this variant to ClinVar. Based on the evidence outlined above, the variant was classified as pathogenic.